The following is an entry in ClinVar:

ClinVar aggregate classification (germline): Uncertain significance (1 of 4 stars; one submission).

Conditions:
Hereditary cancer-predisposing syndrome. Also called: Tumor predisposition; Neoplastic Syndromes, Hereditary; Hereditary neoplastic syndrome; Hereditary Cancer Syndrome. Identifiers: Orphanet 140162, MedGen C0027672, MeSH D009386, MONDO:0015356.

Submission:

Ambry Genetics
Classification: Uncertain significance for Hereditary cancer-predisposing syndrome. Last evaluated: 2024-10-14. Review status: criteria provided, single submitter. Criteria: Ambry Variant Classification Scheme 2023. Collection method: clinical testing. Allele origin: germline.
Comment: The p.S328I variant (also known as c.983G>T), located in coding exon 7 of the ATM gene, results from a G to T substitution at nucleotide position 983. The serine at codon 328 is replaced by isoleucine, an amino acid with dissimilar properties. This amino acid position is conserved. In addition, the in silico prediction for this alteration is inconclusive. Based on the available evidence, the clinical significance of this variant remains unclear.

NM_000051.4(ATM):c.983G>T (p.Ser328Ile)

Gene: ATM (ATM serine/threonine kinase; plus strand). Cytogenetic location: 11q22.3.
Variant type: single nucleotide variant.
Coding change: c.983G>T on transcript NM_000051.4 (MANE Select); coding-DNA position 983, G replaced by T.
Protein change: p.Ser328Ile; replaces serine 328 with isoleucine.
Molecular consequence: missense variant.
Genome position (GRCh38, 1-based): chr11:108,247,045, G>T. VCF-style: chr11-108247045-G-T. GRCh37 (hg19) VCF-style: chr11-108117772-G-T.
Other names: c.983G>T, p.Ser328Ile (NM_001351834.2); short protein forms S328I.
Identifiers: ClinVar variation 3451961 (VCV003451961.1).